The following is an entry in ClinVar:

ClinVar aggregate classification (germline): Uncertain significance (1 of 4 stars; one submission).

Allele frequency attached by ClinVar (database versions not stated): gnomAD exomes below 0.00001 and 0.00001; TOPMed below 0.00001.
gnomAD v4.1: 1 of 1,190,444 alleles (0.000084%); highest among the groups gnomAD compares: Non-Finnish European, 0.00011%; no homozygotes.

Submission:

Labcorp Genetics (formerly Invitae), Labcorp
Classification: Uncertain significance. Last evaluated: 2021-03-08. Review status: criteria provided, single submitter. Criteria: Invitae Variant Classification Sherloc (09022015). Collection method: clinical testing. Allele origin: germline.
Comment: In summary, the available evidence is currently insufficient to determine the role of this variant in disease. Therefore, it has been classified as a Variant of Uncertain Significance. Algorithms developed to predict the effect of sequence changes on RNA splicing suggest that this variant may create or strengthen a splice site, but this prediction has not been confirmed by published transcriptional studies. Algorithms developed to predict the effect of missense changes on protein structure and function are either unavailable or do not agree on the potential impact of this missense change (SIFT: "Deleterious"; PolyPhen-2: "Benign"; Align-GVGD: "Class C15"). This variant has not been reported in the literature in individuals with STAG2-related conditions. This variant is not present in population databases (ExAC no frequency). This sequence change replaces aspartic acid with valine at codon 445 of the STAG2 protein (p.Asp445Val). The aspartic acid residue is moderately conserved and there is a large physicochemical difference between aspartic acid and valine.

NM_001042750.2(STAG2):c.1334A>T (p.Asp445Val)

Gene: STAG2 (STAG2 cohesin complex component; plus strand). Cytogenetic location: Xq25.
Variant type: single nucleotide variant.
Coding change: c.1334A>T on transcript NM_001042750.2 (MANE Select); coding-DNA position 1334, A replaced by T.
Protein change: p.Asp445Val; replaces aspartic acid 445 with valine.
Molecular consequence: missense variant.
Genome position (GRCh38, 1-based): chrX:124,057,895, A>T. VCF-style: chrX-124057895-A-T. GRCh37 (hg19) VCF-style: chrX-123191745-A-T.
Other names: c.1334A>T, p.Asp445Val (NM_001042749.2, NM_001042751.2, NM_001282418.2 and 13 more transcripts); short protein forms D445V.
Identifiers: ClinVar variation 1490980 (VCV001490980.8), dbSNP rs1569514541, ClinGen allele CA414278503.